The following is an entry in ClinVar:

NM_138477.4(CDAN1):c.1003C>T (p.Arg335Trp)

Gene: CDAN1 (codanin 1; minus strand). Cytogenetic location: 15q15.2.
Variant type: single nucleotide variant.
Coding change: c.1003C>T on transcript NM_138477.4 (MANE Select); coding-DNA position 1003, C replaced by T.
Protein change: p.Arg335Trp; replaces arginine 335 with tryptophan.
Molecular consequence: missense variant.
Genome position (GRCh38, 1-based): chr15:42,735,315, G>A on the plus strand (C>T on the coding strand, the complement: CDAN1 is on the minus strand). VCF-style: chr15-42735315-G-A. GRCh37 (hg19) VCF-style: chr15-43027513-G-A.
Other names: c.1003C>T, p.Arg335Trp (LRG_1164t1); short protein forms R335W.
Identifiers: ClinVar variation 618005 (VCV000618005.9), dbSNP rs751595854, ClinGen allele CA392053191.

ClinVar aggregate classification (germline): Uncertain significance. Review status: criteria provided, multiple submitters, no conflicts (2 of 4 stars). 2 submissions from 2 submitters: Uncertain significance (2). Last evaluated 2023-07-24.

gnomAD v4.1: 11 of 1,610,438 alleles (0.00068%); highest among the groups gnomAD compares: Non-Finnish European, 0.00093%; no homozygotes.

Submissions (2):

Women's Health and Genetics/Laboratory Corporation of America, LabCorp
Classification: Uncertain significance. Last evaluated: 2023-07-24. Review status: criteria provided, single submitter. Criteria: LabCorp Variant Classification Summary - May 2015. Collection method: clinical testing. Allele origin: germline.
Comment: Variant summary: CDAN1 c.1003C>T (p.Arg335Trp) results in a non-conservative amino acid change in the encoded protein sequence. Four of five in-silico tools predict a damaging effect of the variant on protein function. The variant allele was found at a frequency of 4.1e-06 in 243904 control chromosomes (gnomAD). The available data on variant occurrences in the general population are insufficient to allow any conclusion about variant significance. c.1003C>T has been reported in the literature in at least one individual affected with Congenital dyserythropoietic anemia, type I (Jaramillo_2019, Meznarich_2018, Niss_2021), and they were repoted as compound heterozygous with another variant of uncertain significance in trans. These data do not allow any conclusion about variant significance. To our knowledge, no experimental evidence demonstrating an impact on protein function has been reported. The following publications have been ascertained in the context of this evaluation (PMID: 29599085, 31183007, 33401150). One submitter has cited a clinical-significance assessment for this variant to ClinVar after 2014 and has classified it as uncertain significance. Based on the evidence outlined above, the variant was classified as uncertain significance.

ARUP Laboratories, Molecular Genetics and Genomics, ARUP Laboratories
Classification: Uncertain significance. Last evaluated: 2017-08-31. Review status: criteria provided, single submitter. Criteria: ARUP Molecular Germline Variant Investigation Process. Collection method: clinical testing. Allele origin: germline.
Comment: The germline c.1003C>T; p.Arg335Trp CDAN1 variant has not been previously reported in medical literature, gene specific variant databases or previously identified in our laboratory. Based on the available information, the clinical significance of the rare p.Arg335Trp variant cannot be determined with certainty.

Literature cited by the submitters: PubMed 31183007 (cited by Women's Health and Genetics/Laboratory Corporation of America, LabCorp); PubMed 29599085 (cited by Women's Health and Genetics/Laboratory Corporation of America, LabCorp); PubMed 33401150 (cited by Women's Health and Genetics/Laboratory Corporation of America, LabCorp).